The following is an entry in ClinVar:

ClinVar aggregate classification (germline): Uncertain significance (1 of 4 stars; one submission).

Conditions:
Cryopyrin associated periodic syndrome (CAPS). Identifiers: Orphanet 208650, MedGen C2316212, MONDO:0016168.

Allele frequency attached by ClinVar (database versions not stated): TOPMed below 0.00001; ExAC 0.00001; gnomAD 0.00001.
gnomAD v4.1: 12 of 1,614,114 alleles (0.00074%); highest among the groups gnomAD compares: East Asian, 0.027%; no homozygotes.

Submission:

Labcorp Genetics (formerly Invitae), Labcorp
Classification: Uncertain significance for Cryopyrin associated periodic syndrome. Last evaluated: 2023-11-27. Review status: criteria provided, single submitter. Criteria: Invitae Variant Classification Sherloc (09022015). Collection method: clinical testing. Allele origin: germline.
Comment: This sequence change replaces glutamic acid, which is acidic and polar, with lysine, which is basic and polar, at codon 380 of the NLRP3 protein (p.Glu380Lys). This variant is present in population databases (rs763580783, gnomAD 0.006%). This missense change has been observed in individual(s) with cryopyrin-associated periodic syndrome (PMID: 22193915). This variant is also known as E378K. ClinVar contains an entry for this variant (Variation ID: 2010234). Advanced modeling of protein sequence and biophysical properties (such as structural, functional, and spatial information, amino acid conservation, physicochemical variation, residue mobility, and thermodynamic stability) performed at Invitae indicates that this missense variant is expected to disrupt NLRP3 protein function with a positive predictive value of 95%. Experimental studies have shown that this missense change does not substantially affect NLRP3 function (PMID: 22193915). In summary, the available evidence is currently insufficient to determine the role of this variant in disease. Therefore, it has been classified as a Variant of Uncertain Significance.

Literature cited by the submitters: PubMed 22193915.

NM_001243133.2(NLRP3):c.1132G>A (p.Glu378Lys)

Gene: NLRP3 (NLR family pyrin domain containing 3; plus strand). Cytogenetic location: 1q44.
Variant type: single nucleotide variant.
Coding change: c.1132G>A on transcript NM_001243133.2 (MANE Select); coding-DNA position 1132, G replaced by A.
Protein change: p.Glu378Lys; replaces glutamic acid 378 with lysine.
Molecular consequence: missense variant.
Genome position (GRCh38, 1-based): chr1:247,424,581, G>A. VCF-style: chr1-247424581-G-A. GRCh37 (hg19) VCF-style: chr1-247587883-G-A.
Other names: c.1132G>A, p.Glu378Lys (NM_001079821.3, NM_001127461.3, NM_001127462.3 and 1 more transcripts); c.1138G>A, p.Glu380Lys (NM_004895.5); short protein forms E378K, E380K.
Identifiers: ClinVar variation 2010234 (VCV002010234.4), dbSNP rs763580783, ClinGen allele CA1494987.